The following is an entry in ClinVar:

ClinVar aggregate classification (germline): Likely benign (1 of 4 stars; one submission).

Allele frequency attached by ClinVar (database versions not stated): gnomAD 0.00006; TOPMed 0.00006; ESP Exome Variant Server 0.00008; ExAC 0.00008.
gnomAD v4.1: 86 of 1,572,780 alleles (0.0055%); highest among the groups gnomAD compares: Non-Finnish European, 0.0068%; no homozygotes.

Submission:

GeneDx
Classification: Likely benign. Last evaluated: 2018-06-20. Review status: criteria provided, single submitter. Criteria: GeneDx Variant Classification (06012015). Collection method: clinical testing. Allele origin: germline. Affected: yes.
Comment: This variant is considered likely benign or benign based on one or more of the following criteria: it is a conservative change, it occurs at a poorly conserved position in the protein, it is predicted to be benign by multiple in silico algorithms, and/or has population frequency not consistent with disease.

NM_006267.5(RANBP2):c.-50C>T

Gene: RANBP2 (RAN binding protein 2; plus strand). Cytogenetic location: 2q13.
Variant type: single nucleotide variant.
Coding change: c.-50C>T on transcript NM_006267.5 (MANE Select); 50 bases upstream of the start codon, C replaced by T.
Molecular consequence: 5 prime UTR variant.
Genome position (GRCh38, 1-based): chr2:108,719,557, C>T. VCF-style: chr2-108719557-C-T. GRCh37 (hg19) VCF-style: chr2-109336013-C-T.
Identifiers: ClinVar variation 671658 (VCV000671658.1), dbSNP rs377140608, ClinGen allele CA1821848.